The following is an entry in ClinVar:

ClinVar aggregate classification (germline): Pathogenic/Likely pathogenic. Review status: criteria provided, multiple submitters, no conflicts (2 of 4 stars). 2 submissions from 2 submitters: Pathogenic (1); Likely pathogenic (1). Last evaluated 2025-10-18.

Conditions:
Woodhouse-Sakati syndrome. Also called: Hypogonadism, Alopecia, Diabetes Mellitus, Mental Retardation, and Extrapyramidal Syndrome; Hypogonadism, diabetes mellitus, alopecia, mental retardation and electrocardiographic abnormalities; EXTRAPYRAMIDAL DISORDER, PROGRESSIVE, WITH PRIMARY HYPOGONADISM, MENTAL RETARDATION, AND ALOPECIA. Identifiers: Orphanet 3464, MedGen C0342286, MONDO:0009419, OMIM 241080.

Allele frequency attached by ClinVar (database versions not stated): gnomAD exomes 0.00001 and below 0.00001; TOPMed below 0.00001.
gnomAD v4.1: 4 of 1,613,040 alleles (0.00025%); highest among the groups gnomAD compares: Non-Finnish European, 0.00025%; no homozygotes.

Submissions (2):

Dasa
Classification: Pathogenic. Last evaluated: 2025-10-18. Review status: criteria provided, single submitter. Criteria: DASA Assertion Criteria. Collection method: clinical testing. Allele origin: germline.
Comment: NM_025000.4(DCAF17):c.580C>T (p.Arg194*) introduces a premature termination codon predicted to result in loss of normal protein function. Loss-of-function is an established mechanism of disease for this gene. This variant has been observed in affected individuals with related phenotype in a genotype context consistent with recessive disease (PMID: 40235137). This variant has been reported in individuals with related phenotype (PMID: 40235137). The variant is present at low frequency in population datasets. Based on the available data, this variant is classified as pathogenic.

Hadassah Hebrew University Medical Center
Classification: Likely pathogenic for Woodhouse-Sakati syndrome. Last evaluated: 2019-06-20. Review status: criteria provided, single submitter. Criteria: ACMG Guidelines, 2015. Collection method: clinical testing. Allele origin: germline. Inheritance: Autosomal recessive inheritance. Affected: yes.

Literature cited by the submitters: PubMed 40235137 (cited by Dasa).

NM_025000.4(DCAF17):c.580C>T (p.Arg194Ter)

Gene: DCAF17 (DDB1 and CUL4 associated factor 17; plus strand). Cytogenetic location: 2q31.1.
Variant type: single nucleotide variant.
Coding change: c.580C>T on transcript NM_025000.4 (MANE Select); coding-DNA position 580, C replaced by T.
Protein change: p.Arg194Ter; replaces arginine 194 with a stop codon.
Molecular consequence: nonsense. On other transcripts: non-coding transcript variant (1).
Genome position (GRCh38, 1-based): chr2:171,453,166, C>T. VCF-style: chr2-171453166-C-T. GRCh37 (hg19) VCF-style: chr2-172309676-C-T.
Other names: c.580C>T, p.Arg194Ter (NM_001164821.2); short protein forms R194*.
Identifiers: ClinVar variation 804389 (VCV000804389.3), dbSNP rs1470826074, ClinGen allele CA349277132.
Genomic context (GRCh38, chr2:171,453,166, plus strand): 5'-TGTAGTCTTTCCTTCTAGGCAGGCATTCAACAACATGTTTTGCTGTACCTTGCAGTGTTC[C>T]GAGTTCTACCTTTTTCACTTGTAGGGATTCTAGAGATCAACAAAAAGGTAAGAACTCATT-3'